The following is an entry in ClinVar:

NM_030667.3(PTPRO):c.2209A>G (p.Thr737Ala)

Gene: PTPRO (protein tyrosine phosphatase receptor type O; plus strand). Cytogenetic location: 12p12.3.
Variant type: single nucleotide variant.
Coding change: c.2209A>G on transcript NM_030667.3 (MANE Select); coding-DNA position 2209, A replaced by G.
Protein change: p.Thr737Ala; replaces threonine 737 with alanine.
Molecular consequence: missense variant. On other transcripts: 5 prime UTR variant (4).
Genome position (GRCh38, 1-based): chr12:15,546,613, A>G. VCF-style: chr12-15546613-A-G. GRCh37 (hg19) VCF-style: chr12-15699547-A-G.
Other names: c.2209A>G, p.Thr737Ala (NM_002848.4); c.-225A>G (NM_030668.3, NM_030669.3, NM_030670.3 and 1 more transcripts); short protein forms T737A.
Identifiers: ClinVar variation 2086912 (VCV002086912.4), dbSNP rs2540030974, ClinGen allele CA384037425.

ClinVar aggregate classification (germline): Uncertain significance (1 of 4 stars; one submission).

Submission:

Labcorp Genetics (formerly Invitae), Labcorp
Classification: Uncertain significance. Last evaluated: 2022-01-17. Review status: criteria provided, single submitter. Criteria: Invitae Variant Classification Sherloc (09022015). Collection method: clinical testing. Allele origin: germline.
Comment: In summary, the available evidence is currently insufficient to determine the role of this variant in disease. Therefore, it has been classified as a Variant of Uncertain Significance. Algorithms developed to predict the effect of missense changes on protein structure and function are either unavailable or do not agree on the potential impact of this missense change (SIFT: "Deleterious"; PolyPhen-2: "Benign"; Align-GVGD: "Class C55"). This variant has not been reported in the literature in individuals affected with PTPRO-related conditions. This variant is not present in population databases (gnomAD no frequency). This sequence change replaces threonine, which is neutral and polar, with alanine, which is neutral and non-polar, at codon 737 of the PTPRO protein (p.Thr737Ala).